The following is an entry in ClinVar:

ClinVar aggregate classification (germline): Uncertain significance (1 of 4 stars; one submission).

Conditions:
Pheochromocytoma/paraganglioma syndrome 5. Also called: Paragangliomas 5; SDHA-Related Hereditary Paraganglioma-Pheochromocytoma Syndrome. Identifiers: Orphanet 29072, MedGen C3279992, MONDO:0013602, OMIM 614165.
Mitochondrial complex II deficiency, nuclear type 1. Also called: SUCCINATE CoQ REDUCTASE DEFICIENCY. Identifiers: Orphanet 3208, MedGen C5700310, MONDO:0100294, OMIM 252011.

Submission:

Labcorp Genetics (formerly Invitae), Labcorp
Classification: Uncertain significance for Pheochromocytoma/paraganglioma syndrome 5; Mitochondrial complex II deficiency, nuclear type 1. Last evaluated: 2023-12-13. Review status: criteria provided, single submitter. Criteria: Invitae Variant Classification Sherloc (09022015). Collection method: clinical testing. Allele origin: germline.
Comment: This sequence change replaces methionine, which is neutral and non-polar, with isoleucine, which is neutral and non-polar, at codon 158 of the SDHA protein (p.Met158Ile). This variant is not present in population databases (gnomAD no frequency). This variant has not been reported in the literature in individuals affected with SDHA-related conditions. ClinVar contains an entry for this variant (Variation ID: 2105118). Advanced modeling of protein sequence and biophysical properties (such as structural, functional, and spatial information, amino acid conservation, physicochemical variation, residue mobility, and thermodynamic stability) performed at Invitae indicates that this missense variant is not expected to disrupt SDHA protein function with a negative predictive value of 95%. In summary, the available evidence is currently insufficient to determine the role of this variant in disease. Therefore, it has been classified as a Variant of Uncertain Significance.

NM_004168.4(SDHA):c.474G>A (p.Met158Ile)

Gene: SDHA (succinate dehydrogenase complex flavoprotein subunit A; plus strand). Cytogenetic location: 5p15.33.
Variant type: single nucleotide variant.
Coding change: c.474G>A on transcript NM_004168.4 (MANE Select); coding-DNA position 474, G replaced by A.
Protein change: p.Met158Ile; replaces methionine 158 with isoleucine.
Molecular consequence: missense variant.
Genome position (GRCh38, 1-based): chr5:225,900, G>A. VCF-style: chr5-225900-G-A. GRCh37 (hg19) VCF-style: chr5-226015-G-A.
Other names: c.330G>A, p.Met110Ile (NM_001294332.2); c.474G>A, p.Met158Ile (NM_001330758.2); short protein forms M158I, M110I.
Identifiers: ClinVar variation 2105118 (VCV002105118.4), dbSNP rs1734987511, ClinGen allele CA359009892.
Genomic context (GRCh38, chr5:225,900, plus strand): 5'-CCTTTAAGGTGTTAAGGTTTTTGTTTGTTTTTATCTTTCACAGCTAGAAAATTATGGCAT[G>A]CCGTTTAGCAGAACTGAAGATGGGAAGATTTATCAGCGTGCATTTGGTGGACAGAGCCTC-3'
Protein context (NP_004159.2, residues 148-168): AAVVELENYG[Met158Ile]PFSRTEDGKI